The following is an entry in ClinVar:

NM_000179.3(MSH6):c.1339C>G (p.Leu447Val)

Gene: MSH6 (mutS homolog 6; plus strand). Cytogenetic location: 2p16.3.
Variant type: single nucleotide variant.
Coding change: c.1339C>G on transcript NM_000179.3 (MANE Select); coding-DNA position 1339, C replaced by G.
Protein change: p.Leu447Val; replaces leucine 447 with valine.
Molecular consequence: missense variant.
Genome position (GRCh38, 1-based): chr2:47,799,322, C>G. VCF-style: chr2-47799322-C-G. GRCh37 (hg19) VCF-style: chr2-48026461-C-G.
Other names: c.949C>G, p.Leu317Val (NM_001281492.2); c.433C>G, p.Leu145Val (NM_001281493.2, NM_001281494.2); short protein forms L317V, L145V, L447V.
Identifiers: ClinVar variation 950802 (VCV000950802.13), dbSNP rs369709529, ClinGen allele CA346744581.

ClinVar aggregate classification (germline): Uncertain significance. Review status: criteria provided, multiple submitters, no conflicts (2 of 4 stars). 3 submissions from 3 submitters: Uncertain significance (3). Last evaluated 2024-11-10.

Conditions:
Hereditary cancer-predisposing syndrome. Also called: Tumor predisposition; Hereditary neoplastic syndrome; Neoplastic Syndromes, Hereditary; Hereditary Cancer Syndrome. Identifiers: Orphanet 140162, MedGen C0027672, MeSH D009386, MONDO:0015356.
Hereditary nonpolyposis colorectal neoplasms. Identifiers: MedGen C0009405, MeSH D003123.

Submissions (3):

Ambry Genetics
Classification: Uncertain significance for Hereditary cancer-predisposing syndrome. Last evaluated: 2024-11-10. Review status: criteria provided, single submitter. Criteria: Ambry Variant Classification Scheme 2023. Collection method: clinical testing. Allele origin: germline.
Comment: The p.L447V variant (also known as c.1339C>G), located in coding exon 4 of the MSH6 gene, results from a C to G substitution at nucleotide position 1339. The leucine at codon 447 is replaced by valine, an amino acid with highly similar properties. This amino acid position is conserved. In addition, this alteration is predicted to be deleterious by in silico analysis. Based on the available evidence, the clinical significance of this variant remains unclear.

Labcorp Genetics (formerly Invitae), Labcorp
Classification: Uncertain significance for Hereditary nonpolyposis colorectal neoplasms. Last evaluated: 2022-07-26. Review status: criteria provided, single submitter. Criteria: Invitae Variant Classification Sherloc (09022015). Collection method: clinical testing. Allele origin: germline.
Comment: In summary, the available evidence is currently insufficient to determine the role of this variant in disease. Therefore, it has been classified as a Variant of Uncertain Significance. Advanced modeling of protein sequence and biophysical properties (such as structural, functional, and spatial information, amino acid conservation, physicochemical variation, residue mobility, and thermodynamic stability) performed at Invitae indicates that this missense variant is expected to disrupt MSH6 protein function. ClinVar contains an entry for this variant (Variation ID: 950802). This variant has not been reported in the literature in individuals affected with MSH6-related conditions. This variant is not present in population databases (gnomAD no frequency). This sequence change replaces leucine, which is neutral and non-polar, with valine, which is neutral and non-polar, at codon 447 of the MSH6 protein (p.Leu447Val).

Color Diagnostics, LLC DBA Color Health
Classification: Uncertain significance for Hereditary cancer-predisposing syndrome. Last evaluated: 2021-12-30. Review status: criteria provided, single submitter. Criteria: ACMG Guidelines, 2015. Collection method: clinical testing. Allele origin: germline.
Comment: This missense variant replaces leucine with valine at codon 447 of the MSH6 protein. Computational prediction suggests that this variant may have deleterious impact on protein structure and function (internally defined REVEL score threshold >= 0.7, PMID: 27666373). To our knowledge, functional studies have not been reported for this variant. This variant has not been reported in individuals affected with hereditary cancer in the literature. This variant has not been identified in the general population by the Genome Aggregation Database (gnomAD). The available evidence is insufficient to determine the role of this variant in disease conclusively. Therefore, this variant is classified as a Variant of Uncertain Significance.